The following is an entry in ClinVar:

ClinVar aggregate classification (germline): Uncertain significance (1 of 4 stars; one submission).

Conditions:
Congenital disorder of glycosylation type Ir (CDG1R). Also called: DDOST-congenital disorder of glycosylation. Identifiers: Orphanet 300536, MedGen C3281084, MONDO:0013789, OMIM 614507.

Allele frequency attached by ClinVar (database versions not stated): ExAC 0.00002; gnomAD 0.00002; gnomAD exomes 0.00002; TOPMed 0.00003; 1000 Genomes Project 30x 0.00016; 1000 Genomes Project 0.00020.
gnomAD v4.1: 37 of 1,612,836 alleles (0.0023%); highest among the groups gnomAD compares: East Asian, 0.033%; no homozygotes.

Submission:

Labcorp Genetics (formerly Invitae), Labcorp
Classification: Uncertain significance for Congenital disorder of glycosylation type Ir. Last evaluated: 2023-06-15. Review status: criteria provided, single submitter. Criteria: Invitae Variant Classification Sherloc (09022015). Collection method: clinical testing. Allele origin: germline.
Comment: This sequence change falls in intron 4 of the DDOST gene. It does not directly change the encoded amino acid sequence of the DDOST protein. It affects a nucleotide within the consensus splice site. This variant is present in population databases (rs554184374, gnomAD 0.03%). This variant has not been reported in the literature in individuals affected with DDOST-related conditions. Variants that disrupt the consensus splice site are a relatively common cause of aberrant splicing (PMID: 17576681, 9536098). Algorithms developed to predict the effect of sequence changes on RNA splicing suggest that this variant is not likely to affect RNA splicing. In summary, the available evidence is currently insufficient to determine the role of this variant in disease. Therefore, it has been classified as a Variant of Uncertain Significance.

Literature cited by the submitters: PubMed 17576681; PubMed 9536098.

NM_005216.5(DDOST):c.456+4A>G

Gene: DDOST (dolichyl-diphosphooligosaccharide--protein glycosyltransferase non-catalytic subunit; minus strand). Cytogenetic location: 1p36.12.
Variant type: single nucleotide variant.
Coding change: c.456+4A>G on transcript NM_005216.5 (MANE Select); 4 bases into the intron after coding-DNA position 456, A replaced by G.
Molecular consequence: intron variant.
Genome position (GRCh38, 1-based): chr1:20,655,672, T>C on the plus strand (A>G on the coding strand, the complement: DDOST is on the minus strand). VCF-style: chr1-20655672-T-C. GRCh37 (hg19) VCF-style: chr1-20982165-T-C.
Identifiers: ClinVar variation 2766768 (VCV002766768.3), dbSNP rs554184374, ClinGen allele CA661239.